The following is an entry in ClinVar:

NM_000051.4(ATM):c.3303G>A (p.Lys1101=)

Gene: ATM (ATM serine/threonine kinase; plus strand). Cytogenetic location: 11q22.3.
Variant type: single nucleotide variant.
Coding change: c.3303G>A on transcript NM_000051.4 (MANE Select); coding-DNA position 3303, G replaced by A.
Protein change: p.Lys1101=; no amino-acid change (lysine 1101 retained).
Molecular consequence: synonymous variant.
Genome position (GRCh38, 1-based): chr11:108,279,509, G>A. VCF-style: chr11-108279509-G-A. GRCh37 (hg19) VCF-style: chr11-108150236-G-A.
Other names: c.3303G>A, p.Lys1101= (NM_001351834.2).
Identifiers: ClinVar variation 377511 (VCV000377511.24), dbSNP rs925487325, ClinGen allele CA16606062.

ClinVar aggregate classification (germline): Benign/Likely benign. Review status: criteria provided, multiple submitters, no conflicts (2 of 4 stars). 8 submissions from 8 submitters: Benign (1); Likely benign (7). Last evaluated 2026-01-20.

Conditions:
Ataxia-telangiectasia syndrome (AT). Also called: Ataxia-telangiectasia, complementation group E; LOUIS-BAR SYNDROME; Cerebello-oculocutaneous telangiectasia; Immunodeficiency with ataxia telangiectasia; ATAXIA-TELANGIECTASIA, COMPLEMENTATION GROUP A; ATAXIA-TELANGIECTASIA, FRESNO VARIANT. Identifiers: Orphanet 100, MedGen C0004135, MONDO:0008840, OMIM 208900.
Hereditary cancer-predisposing syndrome. Also called: Tumor predisposition; Neoplastic Syndromes, Hereditary; Hereditary neoplastic syndrome; Hereditary Cancer Syndrome. Identifiers: Orphanet 140162, MedGen C0027672, MeSH D009386, MONDO:0015356.
Familial cancer of breast. Also called: BREAST CANCER, FAMILIAL; Hereditary breast cancer; hereditary breast carcinoma. Identifiers: Orphanet 227535, MedGen C0346153, MONDO:0016419, OMIM 114480. Disease mechanism: loss of function.

Allele frequency attached by ClinVar (database versions not stated): gnomAD 0.00001; gnomAD exomes 0.00001; TOPMed 0.00001.
gnomAD v4.1: 5 of 1,611,796 alleles (0.00031%); highest among the groups gnomAD compares: Non-Finnish European, 0.00042%; no homozygotes.

Submissions (8):

Labcorp Genetics (formerly Invitae), Labcorp
Classification: Likely benign for Ataxia-telangiectasia syndrome. Last evaluated: 2026-01-20. Review status: criteria provided, single submitter. Criteria: Invitae Variant Classification Sherloc (09022015). Collection method: clinical testing. Allele origin: germline.

Myriad Genetics, Inc.
Classification: Benign for Familial cancer of breast. Last evaluated: 2024-05-14. Review status: criteria provided, single submitter. Criteria: Myriad Autosomal Dominant, Autosomal Recessive and X-Linked Classification Criteria (2023). Collection method: clinical testing. Allele origin: unknown.
Comment: This variant is considered benign. This variant is a silent/synonymous amino acid change and it is not expected to impact splicing.

Blueprint Genetics
Classification: Likely benign. Last evaluated: 2024-02-02. Review status: criteria provided, single submitter. Criteria: ACMG Guidelines, 2015. Collection method: clinical testing. Allele origin: germline.

Sema4
Classification: Likely benign for Hereditary cancer-predisposing syndrome. Last evaluated: 2021-10-25. Review status: criteria provided, single submitter. Criteria: Sema4 Curation Guidelines. Collection method: curation. Allele origin: germline.

GeneDx
Classification: Likely benign. Last evaluated: 2021-04-15. Review status: criteria provided, single submitter. Criteria: GeneDx Variant Classification Process June 2021. Collection method: clinical testing. Allele origin: germline. Affected: yes.

Women's Health and Genetics/Laboratory Corporation of America, LabCorp
Classification: Likely benign. Last evaluated: 2019-08-21. Review status: criteria provided, single submitter. Criteria: LabCorp Variant Classification Summary - May 2015. Collection method: clinical testing. Allele origin: germline.

Color Diagnostics, LLC DBA Color Health
Classification: Likely benign for Hereditary cancer-predisposing syndrome. Last evaluated: 2017-09-27. Review status: criteria provided, single submitter. Criteria: ACMG Guidelines, 2015. Collection method: clinical testing. Allele origin: germline.

Ambry Genetics
Classification: Likely benign for Hereditary cancer-predisposing syndrome. Last evaluated: 2017-05-05. Review status: criteria provided, single submitter. Criteria: Ambry Variant Classification Scheme 2023. Collection method: clinical testing. Allele origin: germline.